The following is an entry in ClinVar:

NC_000022.10:g.(?_32150908)_(32156708_?)del

Gene: DEPDC5 (DEP domain containing 5, GATOR1 subcomplex subunit; plus strand). Cytogenetic location: 22q12.2.
Variant type: Deletion.
Identifiers: ClinVar variation 2423992 (VCV002423992.4).

ClinVar aggregate classification (germline): Pathogenic (1 of 4 stars; one submission).

Conditions:
Familial focal epilepsy with variable foci (FPEVF). Identifiers: Orphanet 98820, MedGen C1858477, MONDO:0020310.

Submission:

Labcorp Genetics (formerly Invitae), Labcorp
Classification: Pathogenic for Familial focal epilepsy with variable foci. Last evaluated: 2022-05-08. Review status: criteria provided, single submitter. Criteria: Invitae Variant Classification Sherloc (09022015). Collection method: clinical testing. Allele origin: germline.
Comment: This variant is a gross deletion of the genomic region encompassing exon(s) 2-4 of the DEPDC5 gene, which includes the initiator codon. This deletion extends beyond the assayed region for this gene and therefore may encompass additional genes. It is expected to result in an absent or disrupted protein product. Loss-of-function variants in DEPDC5 are known to be pathogenic (PMID: 23542697, 23542701). This variant has not been reported in the literature in individuals affected with DEPDC5-related conditions. For these reasons, this variant has been classified as Pathogenic.

Literature cited by the submitters: PubMed 23542697; PubMed 23542701.